The following is an entry in ClinVar:

ClinVar aggregate classification (germline): Uncertain significance. Review status: criteria provided, multiple submitters, no conflicts (2 of 4 stars). 4 submissions from 4 submitters: Uncertain significance (4). Last evaluated 2025-03-15.

Allele frequency attached by ClinVar (database versions not stated): ExAC 0.00002; gnomAD exomes 0.00004 and 0.00016; TOPMed 0.00005; gnomAD 0.00008 and 0.00010.

Submissions (4):

Ambry Genetics
Classification: Uncertain significance. Last evaluated: 2025-03-15. Review status: criteria provided, single submitter. Criteria: Ambry Variant Classification Scheme 2023. Collection method: clinical testing. Allele origin: germline.

Labcorp Genetics (formerly Invitae), Labcorp
Classification: Uncertain significance. Last evaluated: 2024-09-03. Review status: criteria provided, single submitter. Criteria: Invitae Variant Classification Sherloc (09022015). Collection method: clinical testing. Allele origin: germline.
Comment: This sequence change replaces alanine, which is neutral and non-polar, with threonine, which is neutral and polar, at codon 643 of the DRP2 protein (p.Ala643Thr). This variant is present in population databases (rs774673009, gnomAD 0.009%). This missense change has been observed in individual(s) with Charcot-Marie-Tooth disease (internal data). ClinVar contains an entry for this variant (Variation ID: 547091). Invitae Evidence Modeling of protein sequence and biophysical properties (such as structural, functional, and spatial information, amino acid conservation, physicochemical variation, residue mobility, and thermodynamic stability) indicates that this missense variant is not expected to disrupt DRP2 protein function with a negative predictive value of 80%. In summary, the available evidence is currently insufficient to determine the role of this variant in disease. Therefore, it has been classified as a Variant of Uncertain Significance.

CeGaT Center for Human Genetics Tuebingen
Classification: Uncertain significance. Last evaluated: 2017-11-01. Review status: criteria provided, single submitter. Criteria: CeGaT Center For Human Genetics Tuebingen Variant Classification Criteria Version 2. Collection method: clinical testing. Allele origin: germline. Affected: yes. Observed: 1 variant allele.

Breakthrough Genomics
Classification: Uncertain significance. Review status: criteria provided, single submitter. Criteria: ACMG Guidelines, 2015. Collection method: not provided. Allele origin: germline. Inheritance: Unknown mechanism. Affected: yes.

NM_001939.3(DRP2):c.1927G>A (p.Ala643Thr)

Gene: DRP2 (dystrophin related protein 2; plus strand). Cytogenetic location: Xq22.1.
Variant type: single nucleotide variant.
Coding change: c.1927G>A on transcript NM_001939.3 (MANE Select); coding-DNA position 1927, G replaced by A.
Protein change: p.Ala643Thr; replaces alanine 643 with threonine.
Molecular consequence: missense variant.
Genome position (GRCh38, 1-based): chrX:101,252,666, G>A. VCF-style: chrX-101252666-G-A. GRCh37 (hg19) VCF-style: chrX-100507655-G-A.
Other names: c.1693G>A, p.Ala565Thr (NM_001171184.2); short protein forms A643T, A565T.
Identifiers: ClinVar variation 547091 (VCV000547091.53), dbSNP rs774673009, ClinGen allele CA10472367.